The following is an entry in ClinVar:

NM_001312909.2(FAM111A):c.1697del (p.Asn566fs)

Gene: FAM111A (FAM111 trypsin like peptidase A; plus strand). Cytogenetic location: 11q12.1.
Variant type: Deletion.
Coding change: c.1697del on transcript NM_001312909.2 (MANE Select); coding-DNA position 1697, one base deleted (A; older notation c.1697delA).
Protein change: p.Asn566fs; shifts the reading frame from asparagine 566.
Molecular consequence: frameshift variant.
Genome position (GRCh38, 1-based): chr11:59,153,365, A deleted; the last of 4 consecutive A bases (chr11:59,153,362-59,153,365); deleting any one gives the same sequence. VCF-style (leftmost placement, unchanged base first): chr11-59153361-CA-C. GRCh37 (hg19) VCF-style: chr11-58920834-CA-C.
Other names: c.1697del, p.Asn566fs (NM_001142519.3, NM_001142520.3, NM_001142521.3 and 29 more transcripts); short protein forms N566fs.
Identifiers: ClinVar variation 524110 (VCV000524110.2), dbSNP rs1555019508, ClinGen allele CA658797650.
Genomic context (GRCh38, chr11:59,153,361, plus strand): 5'-GTGTTTGATTCAAAAGGTTCATTGGTGGCCATGCATGCTGCTGGCTTTGCTTATACTTAC[CA>C]AAATGAGACTCGTAGTATCATTGAGTTTGGCTCTACCATGGAATCCATCCTCCTTGATAT-3'

ClinVar aggregate classification (germline): Uncertain significance (1 of 4 stars; one submission).

Submission:

GeneDx
Classification: Uncertain significance. Last evaluated: 2018-05-02. Review status: criteria provided, single submitter. Criteria: GeneDx Variant Classification (06012015). Collection method: clinical testing. Allele origin: germline. Affected: yes.
Comment: The c.1697delA variant in the FAM111A gene has not been reported previously as a pathogenic variant, nor as a benign variant, to our knowledge. The c.1697delA variant causes a frameshift starting with codon Asparagine 566, changes this amino acid to a Methionine residue, and creates a premature Stop codon at position 33 of the new reading frame, denoted p.Asn566MetfsX33. This variant is predicted to cause loss of normal protein function through protein truncation. The c.1697delA variant is not observed in large population cohorts (Lek et al., 2016). We interpret c.1697delA as a variant of uncertain significance.